The following is an entry in ClinVar:

ClinVar aggregate classification (germline): Uncertain significance (1 of 4 stars; one submission).

Conditions:
Inborn genetic diseases. Identifiers: MedGen C0950123, MeSH D030342.

Submission:

Ambry Genetics
Classification: Uncertain significance for Inborn genetic diseases. Last evaluated: 2025-07-24. Review status: criteria provided, single submitter. Criteria: Ambry Variant Classification Scheme 2023. Collection method: clinical testing. Allele origin: germline.
Comment: The c.824G>C (p.R275P) alteration is located in exon 9 (coding exon 9) of the KIF2A gene. This alteration results from a G to C substitution at nucleotide position 824, causing the arginine (R) at amino acid position 275 to be replaced by a proline (P). This variant was not reported in population-based cohorts in the Genome Aggregation Database (gnomAD). This amino acid position is highly conserved in available vertebrate species. This missense alteration is located in a region that has a low rate of benign missense variation (Lek, 2016; Firth, 2009). This alteration is predicted to be deleterious by in silico analysis. Based on insufficient or conflicting evidence, the clinical significance of this alteration remains unclear.

NM_001098511.3(KIF2A):c.824G>C (p.Arg275Pro)

Gene: KIF2A (kinesin family member 2A; plus strand). Cytogenetic location: 5q12.1.
Variant type: single nucleotide variant.
Coding change: c.824G>C on transcript NM_001098511.3 (MANE Select); coding-DNA position 824, G replaced by C.
Protein change: p.Arg275Pro; replaces arginine 275 with proline.
Molecular consequence: missense variant.
Genome position (GRCh38, 1-based): chr5:62,358,251, G>C. VCF-style: chr5-62358251-G-C. GRCh37 (hg19) VCF-style: chr5-61654078-G-C.
Other names: c.743G>C, p.Arg248Pro (NM_001243952.2); c.767G>C, p.Arg256Pro (NM_001243953.2); c.824G>C, p.Arg275Pro (NM_004520.5); short protein forms R256P, R275P, R248P.
Identifiers: ClinVar variation 4092760 (VCV004092760.1).
Genomic context (GRCh38, chr5:62,358,251, plus strand): 5'-TGGTACATGAACCAAAACAAAAAGTAGATTTAACAAGGTACCTAGAAAACCAAACATTTC[G>C]TTTTGATTATGCCTTTGATGACTCAGCTCCTAATGAAATGGTTTACAGGTAGGTAAATTC-3'
Protein context (NP_001091981.1, residues 265-285): LTRYLENQTF[Arg275Pro]FDYAFDDSAP